The following is an entry in ClinVar:

ClinVar aggregate classification (germline): Uncertain significance (1 of 4 stars; one submission).

Conditions:
Cardiovascular phenotype. Identifiers: MedGen CN230736.

Allele frequency attached by ClinVar (database versions not stated): gnomAD exomes 0.00001.
gnomAD v4.1: 5 of 1,612,690 alleles (0.00031%); highest among the groups gnomAD compares: East Asian, 0.011%; no homozygotes.

Submission:

Ambry Genetics
Classification: Uncertain significance for Cardiovascular phenotype. Last evaluated: 2021-08-26. Review status: criteria provided, single submitter. Criteria: Ambry Variant Classification Scheme 2023. Collection method: clinical testing. Allele origin: germline.
Comment: The p.K1824E variant (also known as c.5470A>G), located in coding exon 39 of the ABCA1 gene, results from an A to G substitution at nucleotide position 5470. The lysine at codon 1824 is replaced by glutamic acid, an amino acid with similar properties. This amino acid position is conserved. In addition, this alteration is predicted to be deleterious by in silico analysis. Since supporting evidence is limited at this time, the clinical significance of this alteration remains unclear.

NM_005502.4(ABCA1):c.5470A>G (p.Lys1824Glu)

Gene: ABCA1 (ATP binding cassette subfamily A member 1; minus strand). Cytogenetic location: 9q31.1.
Variant type: single nucleotide variant.
Coding change: c.5470A>G on transcript NM_005502.4 (MANE Select); coding-DNA position 5470, A replaced by G.
Protein change: p.Lys1824Glu; replaces lysine 1824 with glutamic acid.
Molecular consequence: missense variant.
Genome position (GRCh38, 1-based): chr9:104,794,423, T>C on the plus strand (A>G on the coding strand, the complement: ABCA1 is on the minus strand). VCF-style: chr9-104794423-T-C. GRCh37 (hg19) VCF-style: chr9-107556704-T-C.
Other names: short protein forms K1824E.
Identifiers: ClinVar variation 1747748 (VCV001747748.2), dbSNP rs1829692110, ClinGen allele CA374312858.